The following is an entry in ClinVar:

ClinVar aggregate classification (germline): Uncertain significance. Review status: criteria provided, single submitter (1 of 4 stars). 2 submissions from 2 submitters: Uncertain significance (1). 1 of the submissions does not count toward it. Last evaluated 2025-03-13.

Conditions:
Peripheral neuropathy-myopathy-hoarseness-hearing loss syndrome. Identifiers: Orphanet 397744, MedGen C3280556, MONDO:0013711, OMIM 614369.

Allele frequency attached by ClinVar (database versions not stated): gnomAD exomes below 0.00001; ExAC 0.00001; gnomAD 0.00001 and 0.00002; TOPMed 0.00002.
gnomAD v4.1: 21 of 1,610,914 alleles (0.0013%); highest among the groups gnomAD compares: Non-Finnish European, 0.0015%; no homozygotes.

Submissions (2):

GeneDx
Classification: Uncertain significance. Last evaluated: 2025-03-13. Review status: criteria provided, single submitter. Criteria: GeneDx Variant Classification Process June 2021. Collection method: clinical testing. Allele origin: germline. Affected: yes.
Comment: Identified in a patient with arthrogryposis who also harbored an additional variant in the MYH14 gene and a variant in the LIFR gene in published literature (PMID: 26752647); In silico analysis supports that this missense variant has a deleterious effect on protein structure/function; This variant is associated with the following publications: (PMID: 26752647)

Lupski Lab, Baylor-Hopkins CMG, Baylor College of Medicine
Classification: Uncertain significance for Peripheral neuropathy-myopathy-hoarseness-hearing loss syndrome. Review status: no assertion criteria provided. Collection method: research. Allele origin: inherited. Inheritance: Autosomal recessive inheritance. Affected: yes. Observed: 2 variant alleles, 1 heterozygote, 1 compound heterozygote. Not counted in ClinVar's aggregate classification.

Literature cited by the submitters: PubMed 26752647 (cited by Lupski Lab, Baylor-Hopkins CMG, Baylor College of Medicine).

NM_001145809.2(MYH14):c.5986C>T (p.Arg1996Cys)

Gene: MYH14 (myosin heavy chain 14; plus strand). Cytogenetic location: 19q13.33.
Variant type: single nucleotide variant.
Coding change: c.5986C>T on transcript NM_001145809.2 (MANE Select); coding-DNA position 5986, C replaced by T.
Protein change: p.Arg1996Cys; replaces arginine 1996 with cysteine.
Molecular consequence: missense variant.
Genome position (GRCh38, 1-based): chr19:50,309,665, C>T. VCF-style: chr19-50309665-C-T. GRCh37 (hg19) VCF-style: chr19-50812922-C-T.
Other names: c.5887C>T, p.Arg1963Cys (NM_001077186.2); c.5863C>T, p.Arg1955Cys (NM_024729.4); c.5863C>T (NM_024729.3); short protein forms R1955C, R1996C, R1963C.
Identifiers: ClinVar variation 816784 (VCV000816784.2), dbSNP rs749591626, ClinGen allele CA9593975.